The following is an entry in ClinVar:

NM_014225.6(PPP2R1A):c.949T>C (p.Cys317Arg)

Gene: PPP2R1A (protein phosphatase 2 scaffold subunit Aalpha; plus strand). Cytogenetic location: 19q13.41.
Variant type: single nucleotide variant.
Coding change: c.949T>C on transcript NM_014225.6 (MANE Select); coding-DNA position 949, T replaced by C.
Protein change: p.Cys317Arg; replaces cysteine 317 with arginine.
Molecular consequence: missense variant. On other transcripts: non-coding transcript variant (1).
Genome position (GRCh38, 1-based): chr19:52,216,030, T>C. VCF-style: chr19-52216030-T-C. GRCh37 (hg19) VCF-style: chr19-52719283-T-C.
Other names: c.412T>C, p.Cys138Arg (NM_001363656.2); short protein forms C138R, C317R.
Identifiers: ClinVar variation 3727960 (VCV003727960.2).
Genomic context (GRCh38, chr19:52,216,030, plus strand): 5'-TCACTTCCCTTTGCCTCCCTCTCCCTGCCCACAGAGTTCTGTGAAAACCTCTCAGCTGAC[T>C]GTCGGGAGAATGTGATCATGTCCCAGATCTTGCCCTGCATCAAGGTAACAGAGAGTTTGA-3'
Protein context (NP_055040.2, residues 307-327): KEFCENLSAD[Cys317Arg]RENVIMSQIL

ClinVar aggregate classification (germline): Uncertain significance (1 of 4 stars; one submission).

gnomAD v4.1: 1 of 1,613,968 alleles (0.000062%); highest among the groups gnomAD compares: South Asian, 0.0011%; no homozygotes.

Submission:

Labcorp Genetics (formerly Invitae), Labcorp
Classification: Uncertain significance. Last evaluated: 2024-12-24. Review status: criteria provided, single submitter. Criteria: Invitae Variant Classification Sherloc (09022015). Collection method: clinical testing. Allele origin: germline.
Comment: This sequence change replaces cysteine, which is neutral and slightly polar, with arginine, which is basic and polar, at codon 317 of the PPP2R1A protein (p.Cys317Arg). This variant is not present in population databases (gnomAD no frequency). This variant has not been reported in the literature in individuals affected with PPP2R1A-related conditions. An algorithm developed to predict the effect of missense changes on protein structure and function (PolyPhen-2) suggests that this variant is likely to be tolerated. In summary, the available evidence is currently insufficient to determine the role of this variant in disease. Therefore, it has been classified as a Variant of Uncertain Significance.